The following is an entry in ClinVar:

ClinVar aggregate classification (germline): Uncertain significance (1 of 4 stars; one submission).

Conditions:
Malignant hyperthermia, susceptibility to, 1 (MHS1). Also called: RYR1-Related Malignant Hyperthermia Susceptibility; Malignant hyperthermia suceptibility 1; Anesthesia related hyperthermia; Malignant hyperpyrexia; Fulminating hyperpyrexia; Pharmacogenic myopathy. Identifiers: Orphanet 423, MedGen C2930980, MONDO:0007783, OMIM 145600.

Allele frequency attached by ClinVar (database versions not stated): gnomAD exomes below 0.00001.
gnomAD v4.1: 2 of 1,613,172 alleles (0.00012%); no homozygotes.

Submission:

Illumina Laboratory Services, Illumina
Classification: Uncertain significance for Malignant hyperthermia, susceptibility to, 1. Last evaluated: 2020-06-05. Review status: criteria provided, single submitter. Criteria: ICSLVariantClassificationCriteria RUGD 01 April 2020. Collection method: clinical testing. Allele origin: unknown.
Comment: The RYR1 c.5492G>C (p.Gly1831Ala) variant is a missense variant. A literature search was performed for the gene, cDNA change, and amino acid change. No publications were found based on this search. The p.Gly1831Ala variant is reported at a frequency of 0.000046 in the European (Finnish) population of the Genome Aggregation Database though this is based on one allele in a region of good sequence coverage, so the variant is presumed to be rare. Based on the limited evidence, the p.Gly1831Ala variant is classified as a variant of uncertain significance for malignant hyperthermia susceptibility.

NM_000540.3(RYR1):c.5492G>C (p.Gly1831Ala)

Gene: RYR1 (ryanodine receptor 1; plus strand). Cytogenetic location: 19q13.2.
Variant type: single nucleotide variant.
Coding change: c.5492G>C on transcript NM_000540.3 (MANE Select); coding-DNA position 5492, G replaced by C.
Protein change: p.Gly1831Ala; replaces glycine 1831 with alanine.
Molecular consequence: missense variant.
Genome position (GRCh38, 1-based): chr19:38,486,147, G>C. VCF-style: chr19-38486147-G-C. GRCh37 (hg19) VCF-style: chr19-38976787-G-C.
Other names: c.5492G>C, p.Gly1831Ala (NM_001042723.2); short protein forms G1831A.
Identifiers: ClinVar variation 989362 (VCV000989362.4), dbSNP rs1290969196, ClinGen allele CA405655740.